The following is an entry in ClinVar:

NM_000368.5(TSC1):c.402G>A (p.Leu134=)

Gene: TSC1 (TSC complex subunit 1; minus strand). Cytogenetic location: 9q34.13.
Variant type: single nucleotide variant.
Coding change: c.402G>A on transcript NM_000368.5 (MANE Select); coding-DNA position 402, G replaced by A.
Protein change: p.Leu134=; no amino-acid change (leucine 134 retained).
Molecular consequence: synonymous variant.
Genome position (GRCh38, 1-based): chr9:132,923,454, C>T on the plus strand (G>A on the coding strand, the complement: TSC1 is on the minus strand). VCF-style: chr9-132923454-C-T. GRCh37 (hg19) VCF-style: chr9-135798841-C-T.
Other names: c.402G>A, p.Leu134= (NM_001162426.2); c.249G>A, p.Leu83= (NM_001162427.2); c.39G>A, p.Leu13= (NM_001362177.2).
Identifiers: ClinVar variation 486589 (VCV000486589.23), dbSNP rs147125501, ClinGen allele CA037474.

ClinVar aggregate classification (germline): Benign/Likely benign. Review status: criteria provided, multiple submitters, no conflicts (2 of 4 stars). 9 submissions from 9 submitters: Benign (5); Likely benign (3). 1 of the submissions does not count toward it. Last evaluated 2026-01-05.

Conditions:
TSC1-related disorder. Also called: TSC1-related condition.
Hereditary cancer-predisposing syndrome. Also called: Tumor predisposition; Neoplastic Syndromes, Hereditary; Hereditary Cancer Syndrome; Hereditary neoplastic syndrome. Identifiers: Orphanet 140162, MedGen C0027672, MeSH D009386, MONDO:0015356.
Tuberous sclerosis syndrome (TSC). Also called: Tuberous Sclerosis Complex; Tuberous sclerosis. Identifiers: Orphanet 805, MedGen C0041341, MONDO:0001734.
Tuberous sclerosis 1 (TSC1). Identifiers: Orphanet 805, MedGen C1854465, MONDO:0008612, OMIM 191100.

Allele frequency attached by ClinVar (database versions not stated): gnomAD exomes below 0.00001 and 0.00002; ExAC 0.00002; gnomAD 0.00005; TOPMed 0.00006; ESP Exome Variant Server 0.00008; 1000 Genomes Project 0.00020; 1000 Genomes Project 30x 0.00031.
gnomAD v4.1: 16 of 1,614,110 alleles (0.00099%); highest among the groups gnomAD compares: African/African-American, 0.019%; no homozygotes.

Submissions (9):

Labcorp Genetics (formerly Invitae), Labcorp
Classification: Likely benign for Tuberous sclerosis 1. Last evaluated: 2026-01-05. Review status: criteria provided, single submitter. Criteria: Invitae Variant Classification Sherloc (09022015). Collection method: clinical testing. Allele origin: germline.

Myriad Genetics, Inc.
Classification: Benign for Tuberous sclerosis 1. Last evaluated: 2025-04-08. Review status: criteria provided, single submitter. Criteria: Myriad Autosomal Dominant, Autosomal Recessive and X-Linked Classification Criteria (2023). Collection method: clinical testing. Allele origin: unknown.
Comment: This variant is considered benign. This variant is a silent/synonymous amino acid change and it is not expected to impact splicing.

All of Us Research Program, National Institutes of Health
Classification: Benign for Tuberous sclerosis syndrome. Last evaluated: 2023-11-20. Review status: criteria provided, single submitter. Criteria: ACMG Guidelines, 2015. Collection method: clinical testing. Allele origin: germline. Inheritance: Autosomal dominant inheritance. Observed: 5 variant alleles, 5 heterozygotes.
Comment: This study involves interpretation of variants in research participants for the purpose of population health screening. Participant phenotype was not available at the time of variant classification. Additional details can be found in publication PMID: 35346344, PMCID: PMC8962531

Color Diagnostics, LLC DBA Color Health
Classification: Benign for Tuberous sclerosis syndrome. Last evaluated: 2022-05-18. Review status: criteria provided, single submitter. Criteria: ACMG Guidelines, 2015. Collection method: clinical testing. Allele origin: germline.

Sema4
Classification: Benign for Hereditary cancer-predisposing syndrome. Last evaluated: 2022-01-20. Review status: criteria provided, single submitter. Criteria: Sema4 Curation Guidelines. Collection method: curation. Allele origin: germline.

Genome-Nilou Lab
Classification: Benign for Tuberous sclerosis 1. Last evaluated: 2021-11-07. Review status: criteria provided, single submitter. Criteria: ACMG Guidelines, 2015. Collection method: clinical testing. Allele origin: germline. Affected: no.

GeneDx
Classification: Likely benign. Last evaluated: 2017-11-27. Review status: criteria provided, single submitter. Criteria: GeneDx Variant Classification (06012015). Collection method: clinical testing. Allele origin: germline. Affected: yes.
Comment: This variant is considered likely benign or benign based on one or more of the following criteria: it is a conservative change, it occurs at a poorly conserved position in the protein, it is predicted to be benign by multiple in silico algorithms, and/or has population frequency not consistent with disease.

Ambry Genetics
Classification: Likely benign for Hereditary cancer-predisposing syndrome. Last evaluated: 2017-02-23. Review status: criteria provided, single submitter. Criteria: Ambry Variant Classification Scheme 2023. Collection method: clinical testing. Allele origin: germline.

PreventionGenetics, part of Exact Sciences
Classification: Likely benign for TSC1-related condition. Last evaluated: 2023-04-11. Review status: no assertion criteria provided. Collection method: clinical testing. Allele origin: germline. Not counted in ClinVar's aggregate classification.
Comment: This variant is classified as likely benign based on ACMG/AMP sequence variant interpretation guidelines (Richards et al. 2015 PMID: 25741868, with internal and published modifications).